The following is an entry in ClinVar:

ClinVar aggregate classification (germline): Benign. Review status: criteria provided, multiple submitters, no conflicts (2 of 4 stars). 4 submissions from 4 submitters: Benign (4). Last evaluated 2024-09-01.

Conditions:
Dicarboxylic aminoaciduria (DCBXA). Also called: GLUTAMATE-ASPARTATE TRANSPORT DEFECT. Identifiers: Orphanet 2195, MedGen C1857253, MONDO:0009110, OMIM 222730.

Allele frequency attached by ClinVar (database versions not stated): 1000 Genomes Project 0.00339; 1000 Genomes Project 30x 0.00375; gnomAD 0.00627 and 0.00639; TOPMed 0.00638; gnomAD exomes 0.00651; ExAC 0.00667; ESP Exome Variant Server 0.00777.
gnomAD v4.1: 14,123 of 1,613,630 alleles (0.88%); highest among the groups gnomAD compares: Non-Finnish European, 1.1%; 77 homozygotes.

Submissions (4):

CeGaT Center for Human Genetics Tuebingen
Classification: Benign. Last evaluated: 2024-09-01. Review status: criteria provided, single submitter. Criteria: CeGaT Center For Human Genetics Tuebingen Variant Classification Criteria Version 2. Collection method: clinical testing. Allele origin: germline. Affected: yes. Observed: 4 variant alleles.
Comment: SLC1A1: BP4, BP7, BS1, BS2

Labcorp Genetics (formerly Invitae), Labcorp
Classification: Benign. Last evaluated: 2019-12-31. Review status: criteria provided, single submitter. Criteria: Invitae Variant Classification Sherloc (09022015). Collection method: clinical testing. Allele origin: germline.

Illumina Laboratory Services, Illumina
Classification: Benign for Dicarboxylic aminoaciduria. Last evaluated: 2018-01-12. Review status: criteria provided, single submitter. Criteria: ICSL Variant Classification Criteria 13 December 2019. Collection method: clinical testing. Allele origin: germline.
Comment: This variant was observed in the ICSL laboratory as part of a predisposition screen in an ostensibly healthy population. It had not been previously curated by ICSL or reported in the Human Gene Mutation Database (HGMD: prior to June 1st, 2018), and was therefore a candidate for classification through an automated scoring system. Utilizing variant allele frequency, disease prevalence and penetrance estimates, and inheritance mode, an automated score was calculated to assess if this variant is too frequent to cause the disease. Based on the score and internal cut-off values, a variant classified as benign is not then subjected to further curation. The score for this variant resulted in a classification of benign for this disease.

Breakthrough Genomics
Classification: Benign. Review status: criteria provided, single submitter. Criteria: ACMG Guidelines, 2015. Collection method: not provided. Allele origin: germline. Inheritance: Autosomal recessive inheritance. Affected: yes.

NM_004170.6(SLC1A1):c.165T>C (p.Pro55=)

Gene: SLC1A1 (solute carrier family 1 member 1; plus strand). Cytogenetic location: 9p24.2.
Variant type: single nucleotide variant.
Coding change: c.165T>C on transcript NM_004170.6 (MANE Select); coding-DNA position 165, T replaced by C.
Protein change: p.Pro55=; no amino-acid change (proline 55 retained).
Molecular consequence: synonymous variant.
Genome position (GRCh38, 1-based): chr9:4,544,640, T>C. VCF-style: chr9-4544640-T-C. GRCh37 (hg19) VCF-style: chr9-4544640-T-C.
Identifiers: ClinVar variation 367039 (VCV000367039.31), dbSNP rs142903137, ClinGen allele CA4968852.